The following is an entry in ClinVar:

NM_000326.5(RLBP1):c.504_508del (p.Ser168fs)

Genes: RLBP1 (retinaldehyde binding protein 1; minus strand), POLG (DNA polymerase gamma, catalytic subunit; minus strand). Cytogenetic location: 15q26.1.
Variant type: Deletion.
Coding change: c.504_508del on transcript NM_000326.5 (MANE Select); coding-DNA positions 504 to 508, 5 bases deleted (TCAAG; older notation c.504_508delTCAAG).
Protein change: p.Ser168fs; shifts the reading frame from serine 168.
Molecular consequence: frameshift variant.
Genome position (GRCh38, 1-based): chr15:89,215,077-89,215,081, CTTGA deleted on the plus strand (TCAAG on the coding strand, the reverse complement: RLBP1 is on the minus strand); deleting any 5 consecutive bases within chr15:89,215,077-89,215,084 gives the same sequence; the c. name uses the placement nearest the transcript's 3' end. VCF-style (leftmost placement, unchanged base first): chr15-89215076-TCTTGA-T. GRCh37 (hg19) VCF-style: chr15-89758307-TCTTGA-T.
Other names: c.504_508del (NM_000326.4); short protein forms S168fs.
Identifiers: ClinVar variation 595846 (VCV000595846.17), dbSNP rs1379405913, ClinGen allele CA619857208.

ClinVar aggregate classification (germline): Pathogenic. Review status: criteria provided, multiple submitters, no conflicts (2 of 4 stars). 4 submissions from 4 submitters: Pathogenic (4). Last evaluated 2025-07-04.

Conditions:
Progressive sclerosing poliodystrophy (MTDPS4A). Also called: Mitochondrial DNA depletion syndrome 4A (Alpers type); Mitochondrial DNA Depletion Syndrome 4A; Alpers Syndrome; ALPERS DIFFUSE DEGENERATION OF CEREBRAL GRAY MATTER WITH HEPATIC CIRRHOSIS; Alpers-Huttenlocher Syndrome; ALPERS PROGRESSIVE INFANTILE POLIODYSTROPHY. Identifiers: Orphanet 726, MedGen C0205710, MONDO:0008758, OMIM 203700.

Submissions (4):

GeneDx
Classification: Pathogenic. Last evaluated: 2025-07-04. Review status: criteria provided, single submitter. Criteria: GeneDx Variant Classification Process June 2021. Collection method: clinical testing. Allele origin: germline. Affected: yes.
Comment: Frameshift variant predicted to result in protein truncation or nonsense mediated decay in a gene for which loss of function is a known mechanism of disease; Not observed at significant frequency in large population cohorts (gnomAD); This variant is associated with the following publications: (PMID: 31589614, 31964843, 32345050, 35119454, 30902645)

Labcorp Genetics (formerly Invitae), Labcorp
Classification: Pathogenic. Last evaluated: 2025-04-14. Review status: criteria provided, single submitter. Criteria: Invitae Variant Classification Sherloc (09022015). Collection method: clinical testing. Allele origin: germline.
Comment: This sequence change creates a premature translational stop signal (p.Ser168Argfs*5) in the RLBP1 gene. It is expected to result in an absent or disrupted protein product. Loss-of-function variants in RLBP1 are known to be pathogenic (PMID: 2392416, 11301032, 21447491, 25429852). This variant is present in population databases (no rsID available, gnomAD 0.0009%). This variant has not been reported in the literature in individuals affected with RLBP1-related conditions. ClinVar contains an entry for this variant (Variation ID: 595846). For these reasons, this variant has been classified as Pathogenic.

Mendelics
Classification: Pathogenic for Progressive sclerosing poliodystrophy. Last evaluated: 2019-05-28. Review status: criteria provided, single submitter. Criteria: Mendelics Assertion Criteria 2017. Collection method: clinical testing. Allele origin: unknown.

Eurofins Ntd Llc (ga)
Classification: Pathogenic. Last evaluated: 2018-01-24. Review status: criteria provided, single submitter. Criteria: EGL Classification Definitions 2015. Collection method: clinical testing. Allele origin: germline. Observed: 1 variant allele, 1 heterozygote.

Literature cited by the submitters: PubMed 2392416 (cited by Labcorp Genetics (formerly Invitae), Labcorp); PubMed 11301032 (cited by Labcorp Genetics (formerly Invitae), Labcorp); PubMed 21447491 (cited by Labcorp Genetics (formerly Invitae), Labcorp); PubMed 25429852 (cited by Labcorp Genetics (formerly Invitae), Labcorp).